The following is an entry in ClinVar:

ClinVar aggregate classification (germline): Uncertain significance (1 of 4 stars; one submission).

Submission:

GeneDx
Classification: Uncertain significance. Last evaluated: 2025-06-12. Review status: criteria provided, single submitter. Criteria: GeneDx Variant Classification Process June 2021. Collection method: clinical testing. Allele origin: germline. Affected: yes.
Comment: Not observed at significant frequency in large population cohorts (gnomAD); In silico analysis suggests that this missense variant does not alter protein structure/function; Has not been previously published as pathogenic or benign to our knowledge

NM_004667.6(HERC2):c.2410C>T (p.Leu804Phe)

Gene: HERC2 (HECT and RLD domain containing E3 ubiquitin protein ligase 2; minus strand). Cytogenetic location: 15q13.1.
Variant type: single nucleotide variant.
Coding change: c.2410C>T on transcript NM_004667.6 (MANE Select); coding-DNA position 2410, C replaced by T.
Protein change: p.Leu804Phe; replaces leucine 804 with phenylalanine.
Molecular consequence: missense variant.
Genome position (GRCh38, 1-based): chr15:28,257,168, G>A on the plus strand (C>T on the coding strand, the complement: HERC2 is on the minus strand). VCF-style: chr15-28257168-G-A. GRCh37 (hg19) VCF-style: chr15-28502314-G-A.
Other names: short protein forms L804F.
Identifiers: ClinVar variation 4537947 (VCV004537947.1).
Genomic context (GRCh38, chr15:28,257,168, plus strand): 5'-CCTGGGGCGGGGGCCAGTCCGCGGAACCATCCATCCCCTCACTCACCTGCCGAAGCAGGA[G>A]ATCCAGCTGCTCAAAAGTCATTGAGCAGATGTCCACCACAAAAGGGACACGGAGGCCAAT-3'
Protein context (NP_004658.3, residues 794-814): ICSMTFEQLD[Leu804Phe]LLRQVSEGMD